The following is an entry in ClinVar:

ClinVar aggregate classification (germline): Pathogenic (1 of 4 stars; one submission).

Conditions:
CFTR-related disorder (CFTR-RD). Also called: CFTR-related disorders; CFTR-related condition. Identifiers: MedGen C5924204, MONDO:7770004.

Submission:

Natera, Inc.
Classification: Pathogenic for CFTR-related disorders. Last evaluated: 2025-02-17. Review status: criteria provided, single submitter. Criteria: Natera Variant Classification Schema (03/2026). Collection method: clinical testing. Allele origin: germline.
Comment: The c.3493A>T variant in CFTR is a nonsense variant predicted to introduce a stop codon at amino acid 1165. This variant is expected to result in nonsense mediated decay, truncation, or a dysfunctional protein product. This variant is rare in the general population with a frequency below the threshold expected for the associated phenotype(s). This variant has been observed in one or more individuals affected with the associated recessive disease, as either homozygous or compound heterozygous with a second variant (PMID: 31916691). Given the available evidence, this variant is classified as Pathogenic.

Literature cited by the submitters: PubMed 31916691.

NM_000492.4(CFTR):c.3493A>T (p.Lys1165Ter)

Genes: CFTR (CF transmembrane conductance regulator; plus strand), CFTR-AS2 (CFTR antisense RNA 2; minus strand). Cytogenetic location: 7q31.2.
Variant type: single nucleotide variant.
Coding change: c.3493A>T on transcript NM_000492.4 (MANE Select); coding-DNA position 3493, A replaced by T.
Protein change: p.Lys1165Ter; replaces lysine 1165 with a stop codon.
Molecular consequence: nonsense.
Genome position (GRCh38, 1-based): chr7:117,627,546, A>T. VCF-style: chr7-117627546-A-T. GRCh37 (hg19) VCF-style: chr7-117267600-A-T.
Other names: short protein forms K1165*.
Identifiers: ClinVar variation 4064596 (VCV004064596.2).